The following is an entry in ClinVar:

ClinVar aggregate classification (germline): Uncertain significance (1 of 4 stars; one submission).

Conditions:
Ehlers-Danlos syndrome, dermatosparaxis type. Also called: EDS VIIC; Ehlers-Danlos syndrome, type VII, autosomal recessive; Dermatosparaxis. Identifiers: Orphanet 1901, MedGen C2700425, MONDO:0009161, OMIM 225410.

Submission:

Labcorp Genetics (formerly Invitae), Labcorp
Classification: Uncertain significance for Ehlers-Danlos syndrome, dermatosparaxis type. Last evaluated: 2022-05-01. Review status: criteria provided, single submitter. Criteria: Invitae Variant Classification Sherloc (09022015). Collection method: clinical testing. Allele origin: germline.
Comment: In summary, the available evidence is currently insufficient to determine the role of this variant in disease. Therefore, it has been classified as a Variant of Uncertain Significance. Algorithms developed to predict the effect of missense changes on protein structure and function are either unavailable or do not agree on the potential impact of this missense change (SIFT: "Deleterious"; PolyPhen-2: "Possibly Damaging"; Align-GVGD: "Class C0"). This variant has not been reported in the literature in individuals affected with ADAMTS2-related conditions. This variant is not present in population databases (gnomAD no frequency). This sequence change replaces aspartic acid, which is acidic and polar, with histidine, which is basic and polar, at codon 1115 of the ADAMTS2 protein (p.Asp1115His).

NM_014244.5(ADAMTS2):c.3343G>C (p.Asp1115His)

Gene: ADAMTS2 (ADAM metallopeptidase with thrombospondin type 1 motif 2; minus strand). Cytogenetic location: 5q35.3.
Variant type: single nucleotide variant.
Coding change: c.3343G>C on transcript NM_014244.5 (MANE Select); coding-DNA position 3343, G replaced by C.
Protein change: p.Asp1115His; replaces aspartic acid 1115 with histidine.
Molecular consequence: missense variant.
Genome position (GRCh38, 1-based): chr5:179,114,160, C>G on the plus strand (G>C on the coding strand, the complement: ADAMTS2 is on the minus strand). VCF-style: chr5-179114160-C-G. GRCh37 (hg19) VCF-style: chr5-178541161-C-G.
Other names: short protein forms D1115H.
Identifiers: ClinVar variation 2132563 (VCV002132563.4), dbSNP rs200022037, ClinGen allele CA362412025.